The following is an entry in ClinVar:

ClinVar aggregate classification (germline): Uncertain significance. Review status: criteria provided, multiple submitters, no conflicts (2 of 4 stars). 3 submissions from 3 submitters: Uncertain significance (3). Last evaluated 2022-02-11.

Conditions:
Ectodermal dysplasia 7, hair/nail type (ECTD7). Identifiers: Orphanet 69084, MedGen C3554117, MONDO:0013975, OMIM 614929.
Autosomal dominant wooly hair. Also called: Autosomal dominant woolly hair. Identifiers: Orphanet 170, MedGen C1860238, MONDO:0020717, OMIM 194300.
Hypotrichosis 3 (HYPT3). Also called: HYPOTRICHOSIS SIMPLEX OF THE SCALP 2. Identifiers: Orphanet 90368, MedGen C3151432, MONDO:0013514, OMIM 613981.

Allele frequency attached by ClinVar (database versions not stated): gnomAD 0.00003; TOPMed 0.00003; ExAC 0.00009; ESP Exome Variant Server 0.00015; 1000 Genomes Project 30x 0.00016; 1000 Genomes Project 0.00020.

Submissions (3):

Department of Pathology and Laboratory Medicine, Sinai Health System
Classification: Uncertain significance for Autosomal dominant wooly hair; Hypotrichosis 3; Ectodermal dysplasia 7, hair/nail type. Last evaluated: 2022-02-11. Review status: criteria provided, single submitter. Criteria: ACMG Guidelines, 2015. Collection method: research. Allele origin: germline.

Labcorp Genetics (formerly Invitae), Labcorp
Classification: Uncertain significance. Last evaluated: 2022-01-20. Review status: criteria provided, single submitter. Criteria: Invitae Variant Classification Sherloc (09022015). Collection method: clinical testing. Allele origin: germline.
Comment: In summary, the available evidence is currently insufficient to determine the role of this variant in disease. Therefore, it has been classified as a Variant of Uncertain Significance. This sequence change replaces arginine, which is basic and polar, with tryptophan, which is neutral and slightly polar, at codon 69 of the KRT74 protein (p.Arg69Trp). This variant is present in population databases (rs148260181, gnomAD 0.01%). This variant has not been reported in the literature in individuals affected with KRT74-related conditions. Algorithms developed to predict the effect of missense changes on protein structure and function output the following: SIFT: "Tolerated"; PolyPhen-2: "Benign"; Align-GVGD: "Class C0". The tryptophan amino acid residue is found in multiple mammalian species, which suggests that this missense change does not adversely affect protein function.

Ambry Genetics
Classification: Uncertain significance. Last evaluated: 2021-09-27. Review status: criteria provided, single submitter. Criteria: Ambry Variant Classification Scheme 2023. Collection method: clinical testing. Allele origin: germline.

NM_175053.4(KRT74):c.205C>T (p.Arg69Trp)

Gene: KRT74 (keratin 74; minus strand). Cytogenetic location: 12q13.13.
Variant type: single nucleotide variant.
Coding change: c.205C>T on transcript NM_175053.4 (MANE Select); coding-DNA position 205, C replaced by T.
Protein change: p.Arg69Trp; replaces arginine 69 with tryptophan.
Molecular consequence: missense variant.
Genome position (GRCh38, 1-based): chr12:52,573,573, G>A on the plus strand (C>T on the coding strand, the complement: KRT74 is on the minus strand). VCF-style: chr12-52573573-G-A. GRCh37 (hg19) VCF-style: chr12-52967357-G-A.
Other names: c.205C>T (NM_175053.3); short protein forms R69W.
Identifiers: ClinVar variation 2172738 (VCV002172738.6), dbSNP rs148260181, ClinGen allele CA6584168.